The following is an entry in ClinVar:

ClinVar aggregate classification (germline): Uncertain significance (1 of 4 stars; one submission).

Conditions:
Hereditary pancreatitis (PCTT). Also called: Hereditary chronic pancreatitis; PRSS1-Related Hereditary Pancreatitis. Identifiers: Orphanet 676, MedGen C0238339, MONDO:0008185, OMIM 167800.

gnomAD v4.1: 4 of 1,614,146 alleles (0.00025%); highest among the groups gnomAD compares: Non-Finnish European, 0.00034%; no homozygotes.

Submission:

Ambry Genetics
Classification: Uncertain significance for Hereditary pancreatitis. Last evaluated: 2023-10-12. Review status: criteria provided, single submitter. Criteria: Ambry Variant Classification Scheme 2023. Collection method: clinical testing. Allele origin: germline.
Comment: The p.G154E variant (also known as c.461G>A), located in coding exon 4 of the CPA1 gene, results from a G to A substitution at nucleotide position 461. The glycine at codon 154 is replaced by glutamic acid, an amino acid with similar properties. This amino acid position is conserved. In addition, this alteration is predicted to be tolerated by in silico analysis. Since supporting evidence is limited at this time, the clinical significance of this alteration remains unclear.

NM_001868.4(CPA1):c.461G>A (p.Gly154Glu)

Gene: CPA1 (carboxypeptidase A1; plus strand). Cytogenetic location: 7q32.2.
Variant type: single nucleotide variant.
Coding change: c.461G>A on transcript NM_001868.4 (MANE Select); coding-DNA position 461, G replaced by A.
Protein change: p.Gly154Glu; replaces glycine 154 with glutamic acid.
Molecular consequence: missense variant.
Genome position (GRCh38, 1-based): chr7:130,382,187, G>A. VCF-style: chr7-130382187-G-A. GRCh37 (hg19) VCF-style: chr7-130022028-G-A.
Other names: short protein forms G154E.
Identifiers: ClinVar variation 3221824 (VCV003221824.1), dbSNP rs2536006413, ClinGen allele CA369281204.